The following is an entry in ClinVar:

ClinVar aggregate classification (germline): Uncertain significance (1 of 4 stars; one submission).

Conditions:
Hereditary nonpolyposis colorectal neoplasms. Identifiers: MedGen C0009405, MeSH D003123.

Submission:

Labcorp Genetics (formerly Invitae), Labcorp
Classification: Uncertain significance for Hereditary nonpolyposis colorectal neoplasms. Last evaluated: 2022-11-30. Review status: criteria provided, single submitter. Criteria: Invitae Variant Classification Sherloc (09022015). Collection method: clinical testing. Allele origin: germline.
Comment: Advanced modeling of protein sequence and biophysical properties (such as structural, functional, and spatial information, amino acid conservation, physicochemical variation, residue mobility, and thermodynamic stability) performed at Invitae indicates that this missense variant is expected to disrupt PMS2 protein function. In summary, the available evidence is currently insufficient to determine the role of this variant in disease. Therefore, it has been classified as a Variant of Uncertain Significance. This variant has not been reported in the literature in individuals affected with PMS2-related conditions. This variant is not present in population databases (gnomAD no frequency). This sequence change replaces serine, which is neutral and polar, with leucine, which is neutral and non-polar, at codon 274 of the PMS2 protein (p.Ser274Leu).

NM_000535.7(PMS2):c.821C>T (p.Ser274Leu)

Gene: PMS2 (PMS1 homolog 2, mismatch repair system component; minus strand). Cytogenetic location: 7p22.1.
Variant type: single nucleotide variant.
Coding change: c.821C>T on transcript NM_000535.7 (MANE Select); coding-DNA position 821, C replaced by T.
Protein change: p.Ser274Leu; replaces serine 274 with leucine.
Molecular consequence: missense variant. On other transcripts: 5 prime UTR variant (2), non-coding transcript variant (1), intron variant (4).
Genome position (GRCh38, 1-based): chr7:5,995,616, G>A on the plus strand (C>T on the coding strand, the complement: PMS2 is on the minus strand). VCF-style: chr7-5995616-G-A. GRCh37 (hg19) VCF-style: chr7-6035247-G-A.
Other names: c.503C>T, p.Ser168Leu (NM_001406903.1, NM_001406883.1, NM_001406901.1 and 4 more transcripts); c.308C>T, p.Ser103Leu (NM_001406904.1, NM_001406905.1); c.416C>T, p.Ser139Leu (NM_001406906.1, NM_001406907.1, NM_001406908.1 and 20 more transcripts); c.248C>T, p.Ser83Leu (NM_001406909.1, NM_001322013.2); c.512C>T, p.Ser171Leu (NM_001406881.1, NM_001406882.1, NM_001322015.2 and 6 more transcripts); c.653C>T, p.Ser218Leu (NM_001406884.1, NM_001406874.1); c.485C>T, p.Ser162Leu (NM_001406885.1); c.821C>T, p.Ser274Leu (NM_001322006.2, NM_001322014.2, NM_001406870.1 and 2 more transcripts); and 8 more; short protein forms S162L, S171L, S238L, S103L, S218L, S274L, S282L, S336L.
Identifiers: ClinVar variation 2816064 (VCV002816064.3), dbSNP rs2536155330, ClinGen allele CA366743547.
Genomic context (GRCh38, chr7:5,995,616, plus strand): 5'-CGGTTGATAAAGAAAAACTGTCTGTCTGTTGAACTCCTTCCAACTCCATGCGTGCATTGT[G>A]AAATGAAACCTGAGATGCTATTCAACATTAATATGGTAAGGGCAGGATTCCAGAGTGAAA-3'
Protein context (NP_000526.2, residues 264-284): HNLFYISGFI[Ser274Leu]QCTHGVGRSS